The following is an entry in ClinVar:

ClinVar aggregate classification (germline): Uncertain significance (1 of 4 stars; one submission).

Conditions:
Inborn genetic diseases. Identifiers: MedGen C0950123, MeSH D030342.

Submission:

Ambry Genetics
Classification: Uncertain significance for Inborn genetic diseases. Last evaluated: 2025-06-09. Review status: criteria provided, single submitter. Criteria: Ambry Variant Classification Scheme 2023. Collection method: clinical testing. Allele origin: germline.
Comment: The p.R857L variant (also known as c.2570G>T), located in coding exon 12 of the BMPR2 gene, results from a G to T substitution at nucleotide position 2570. The arginine at codon 857 is replaced by leucine, an amino acid with dissimilar properties. This amino acid position is conserved. In addition, this alteration is predicted to be deleterious by in silico analysis. Based on the available evidence, the clinical significance of this variant remains unclear.

NM_001204.7(BMPR2):c.2570G>T (p.Arg857Leu)

Gene: BMPR2 (bone morphogenetic protein receptor type 2; plus strand). Cytogenetic location: 2q33.2.
Variant type: single nucleotide variant.
Coding change: c.2570G>T on transcript NM_001204.7 (MANE Select); coding-DNA position 2570, G replaced by T.
Protein change: p.Arg857Leu; replaces arginine 857 with leucine.
Molecular consequence: missense variant.
Genome position (GRCh38, 1-based): chr2:202,556,235, G>T. VCF-style: chr2-202556235-G-T. GRCh37 (hg19) VCF-style: chr2-203420958-G-T.
Other names: short protein forms R857L.
Identifiers: ClinVar variation 3992233 (VCV003992233.1).
Genomic context (GRCh38, chr2:202,556,235, plus strand): 5'-ACATAGTGACACATAGGGCCCAAGAAATGTTGCAGAATCAGTTTATTGGTGAGGACACCC[G>T]GCTGAATATTAATTCCAGTCCTGATGAGCATGAGCCTTTACTGAGACGAGAGCAACAAGC-3'
Protein context (NP_001195.2, residues 847-867): LQNQFIGEDT[Arg857Leu]LNINSSPDEH